The following is an entry in ClinVar:

ClinVar aggregate classification (germline): Uncertain significance (1 of 4 stars; one submission).

Conditions:
Oligodontia-cancer predisposition syndrome. Also called: TOOTH AGENESIS-COLORECTAL CANCER SYNDROME. Identifiers: Orphanet 300576, MedGen C1837750, MONDO:0012075, OMIM 608615. Disease mechanism: loss of function.

gnomAD v4.1: 1 of 1,614,198 alleles (0.000062%); highest among the groups gnomAD compares: Non-Finnish European, 0.000085%; no homozygotes.

Submission:

Labcorp Genetics (formerly Invitae), Labcorp
Classification: Uncertain significance for Oligodontia-cancer predisposition syndrome. Last evaluated: 2025-04-02. Review status: criteria provided, single submitter. Criteria: Invitae Variant Classification Sherloc (09022015). Collection method: clinical testing. Allele origin: germline.
Comment: This sequence change replaces lysine, which is basic and polar, with asparagine, which is neutral and polar, at codon 360 of the AXIN2 protein (p.Lys360Asn). This variant is not present in population databases (gnomAD no frequency). This variant has not been reported in the literature in individuals affected with AXIN2-related conditions. Invitae Evidence Modeling of protein sequence and biophysical properties (such as structural, functional, and spatial information, amino acid conservation, physicochemical variation, residue mobility, and thermodynamic stability) indicates that this missense variant is not expected to disrupt AXIN2 protein function with a negative predictive value of 80%. In summary, the available evidence is currently insufficient to determine the role of this variant in disease. Therefore, it has been classified as a Variant of Uncertain Significance.

NM_004655.4(AXIN2):c.1080G>C (p.Lys360Asn)

Gene: AXIN2 (axin 2; minus strand). Cytogenetic location: 17q24.1.
Variant type: single nucleotide variant.
Coding change: c.1080G>C on transcript NM_004655.4 (MANE Select); coding-DNA position 1080, G replaced by C.
Protein change: p.Lys360Asn; replaces lysine 360 with asparagine.
Molecular consequence: missense variant.
Genome position (GRCh38, 1-based): chr17:65,538,323, C>G on the plus strand (G>C on the coding strand, the complement: AXIN2 is on the minus strand). VCF-style: chr17-65538323-C-G. GRCh37 (hg19) VCF-style: chr17-63534441-C-G.
Other names: c.1080G>C, p.Lys360Asn (NM_001363813.1); short protein forms K360N.
Identifiers: ClinVar variation 4741919 (VCV004741919.1).